The following is an entry in ClinVar:

ClinVar aggregate classification (germline): Uncertain significance (1 of 4 stars; one submission).

Submission:

GeneDx
Classification: Uncertain significance. Last evaluated: 2025-04-20. Review status: criteria provided, single submitter. Criteria: GeneDx Variant Classification Process June 2021. Collection method: clinical testing. Allele origin: germline. Affected: yes.
Comment: Not observed at significant frequency in large population cohorts (gnomAD); In silico analysis supports that this missense variant has a deleterious effect on protein structure/function; Has not been previously published as pathogenic or benign to our knowledge

NM_005262.3(GFER):c.214C>G (p.Arg72Gly)

Genes: GFER (growth factor, augmenter of liver regeneration; plus strand), LOC130058203 (ATAC-STARR-seq lymphoblastoid silent region 7014; plus strand). Cytogenetic location: 16p13.3.
Variant type: single nucleotide variant.
Coding change: c.214C>G on transcript NM_005262.3 (MANE Select); coding-DNA position 214, C replaced by G.
Protein change: p.Arg72Gly; replaces arginine 72 with glycine.
Molecular consequence: missense variant.
Genome position (GRCh38, 1-based): chr16:1,984,432, C>G. VCF-style: chr16-1984432-C-G. GRCh37 (hg19) VCF-style: chr16-2034433-C-G.
Other names: short protein forms R72G.
Identifiers: ClinVar variation 4282229 (VCV004282229.1).